The following is an entry in ClinVar:

ClinVar aggregate classification (germline): Likely benign (0 of 4 stars; one submission).

Conditions:
CNTNAP1-related disorder. Also called: CNTNAP1-related disease; CNTNAP1-related condition.

Submission:

PreventionGenetics, part of Exact Sciences
Classification: Likely benign for CNTNAP1-related condition. Last evaluated: 2019-03-12. Review status: no assertion criteria provided. Collection method: clinical testing. Allele origin: germline.
Comment: This variant is classified as likely benign based on ACMG/AMP sequence variant interpretation guidelines (Richards et al. 2015 PMID: 25741868, with internal and published modifications).

NM_003632.3(CNTNAP1):c.309C>G (p.Leu103=)

Gene: CNTNAP1 (contactin associated protein 1; plus strand). Cytogenetic location: 17q21.2.
Variant type: single nucleotide variant.
Coding change: c.309C>G on transcript NM_003632.3 (MANE Select); coding-DNA position 309, C replaced by G.
Protein change: p.Leu103=; no amino-acid change (leucine 103 retained).
Molecular consequence: synonymous variant.
Genome position (GRCh38, 1-based): chr17:42,684,175, C>G. VCF-style: chr17-42684175-C-G. GRCh37 (hg19) VCF-style: chr17-40836193-C-G.
Identifiers: ClinVar variation 3047213 (VCV003047213.2), dbSNP rs752012820, ClinGen allele CA8581475.